The following is an entry in ClinVar:

ClinVar aggregate classification (germline): Uncertain significance (1 of 4 stars; one submission).

Conditions:
Cardiovascular phenotype. Identifiers: MedGen CN230736.

Submission:

Ambry Genetics
Classification: Uncertain significance for Cardiovascular phenotype. Last evaluated: 2023-04-03. Review status: criteria provided, single submitter. Criteria: Ambry Variant Classification Scheme 2023. Collection method: clinical testing. Allele origin: germline.
Comment: The p.A524T variant (also known as c.1570G>A), located in coding exon 10 of the PCSK9 gene, results from a G to A substitution at nucleotide position 1570. The alanine at codon 524 is replaced by threonine, an amino acid with similar properties. This amino acid position is conserved. In addition, this alteration is predicted to be tolerated by in silico analysis. Since supporting evidence is limited at this time, the clinical significance of this alteration remains unclear.

NM_174936.4(PCSK9):c.1570G>A (p.Ala524Thr)

Gene: PCSK9 (proprotein convertase subtilisin/kexin type 9; plus strand). Cytogenetic location: 1p32.3.
Variant type: single nucleotide variant.
Coding change: c.1570G>A on transcript NM_174936.4 (MANE Select); coding-DNA position 1570, G replaced by A.
Protein change: p.Ala524Thr; replaces alanine 524 with threonine.
Molecular consequence: missense variant. On other transcripts: non-coding transcript variant (7), intron variant (1).
Genome position (GRCh38, 1-based): chr1:55,059,552, G>A. VCF-style: chr1-55059552-G-A. GRCh37 (hg19) VCF-style: chr1-55525225-G-A.
Other names: c.1693G>A, p.Ala565Thr (NM_001407240.1); c.1612G>A, p.Ala538Thr (NM_001407241.1); c.1573G>A, p.Ala525Thr (NM_001407242.1); c.1513G>A, p.Ala505Thr (NM_001407243.1); c.1396G>A, p.Ala466Thr (NM_001407244.1); c.1378G>A, p.Ala460Thr (NM_001407245.1); c.1195G>A, p.Ala399Thr (NM_001407246.1); c.1181-1823G>A (NM_001407247.1); short protein forms A505T, A565T, A399T, A466T, A524T, A538T, A460T, A525T.
Identifiers: ClinVar variation 2568389 (VCV002568389.2), dbSNP rs746457760, ClinGen allele CA038072.